The following is an entry in ClinVar:

ClinVar aggregate classification (germline): Conflicting classifications of pathogenicity. Review status: criteria provided, conflicting classifications (1 of 4 stars). 2 submissions from 2 submitters: Pathogenic (1); Uncertain significance (1). Last evaluated 2024-12-27.

Conditions:
Hereditary factor VIII deficiency disease (HEMA). Also called: HEMOPHILIA, CLASSIC; AUTOSOMAL HEMOPHILIA A; Hemophilia A; Hemophilia A, congenital; HEM A; Factor 8 deficiency, congenital. Identifiers: Orphanet 98878, MedGen C0019069, MONDO:0010602, OMIM 306700.

Submissions (2):

Women's Health and Genetics/Laboratory Corporation of America, LabCorp
Classification: Uncertain significance. Last evaluated: 2024-12-27. Review status: criteria provided, single submitter. Criteria: LabCorp Variant Classification Summary - May 2015. Collection method: clinical testing. Allele origin: germline.
Comment: Variant summary: F8 c.6821T>C (p.Met2274Thr) results in a non-conservative amino acid change located in the Coagulation factor 5/8 C-terminal domain, discoidin domain (IPR000421) of the encoded protein sequence. Four of five in-silico tools predict a damaging effect of the variant on protein function. The variant was absent in 183343 control chromosomes. The available data on variant occurrences in the general population are insufficient to allow any conclusion about variant significance. c.6821T>C has been reported in the literature in at least one individual affected with Factor VIII Deficiency (Hemophilia A) without evidence of causality (e.g. Andersson_2020). This report does not provide unequivocal conclusions about association of the variant with Factor VIII Deficiency (Hemophilia A). To our knowledge, no experimental evidence demonstrating an impact on protein function has been reported. The following publication has been ascertained in the context of this evaluation (PMID: 32935414). ClinVar contains an entry for this variant (Variation ID: 2683963). Based on the evidence outlined above, the variant was classified as uncertain significance.

MVZ Martinsried, Medicover Genetics
Classification: Pathogenic for Hereditary factor VIII deficiency disease. Last evaluated: 2022-10-14. Review status: criteria provided, single submitter. Criteria: ACGS Guidelines, 2020. Collection method: clinical testing. Allele origin: unknown. Affected: yes.

Literature cited by the submitters: PubMed 32935414 (cited by Women's Health and Genetics/Laboratory Corporation of America, LabCorp).

NM_000132.4(F8):c.6821T>C (p.Met2274Thr)

Gene: F8 (coagulation factor VIII; minus strand). Cytogenetic location: Xq28.
Variant type: single nucleotide variant.
Coding change: c.6821T>C on transcript NM_000132.4 (MANE Select); coding-DNA position 6821, T replaced by C.
Protein change: p.Met2274Thr; replaces methionine 2274 with threonine.
Molecular consequence: missense variant.
Genome position (GRCh38, 1-based): chrX:154,860,511, A>G on the plus strand (T>C on the coding strand, the complement: F8 is on the minus strand). VCF-style: chrX-154860511-A-G. GRCh37 (hg19) VCF-style: chrX-154088786-A-G.
Other names: c.416T>C, p.Met139Thr (NM_019863.3); short protein forms M139T, M2274T.
Identifiers: ClinVar variation 2683963 (VCV002683963.2), dbSNP rs2523837302, ClinGen allele CA414903819.